The following is an entry in ClinVar:

NM_004977.3(KCNC3):c.481G>A (p.Asp161Asn)

Gene: KCNC3 (potassium voltage-gated channel subfamily C member 3; minus strand). Cytogenetic location: 19q13.33.
Variant type: single nucleotide variant.
Coding change: c.481G>A on transcript NM_004977.3 (MANE Select); coding-DNA position 481, G replaced by A.
Protein change: p.Asp161Asn; replaces aspartic acid 161 with asparagine.
Molecular consequence: missense variant.
Genome position (GRCh38, 1-based): chr19:50,328,602, C>T on the plus strand (G>A on the coding strand, the complement: KCNC3 is on the minus strand). VCF-style: chr19-50328602-C-T. GRCh37 (hg19) VCF-style: chr19-50831859-C-T.
Other names: c.253G>A, p.Asp85Asn (NM_001372305.1); short protein forms D85N, D161N.
Identifiers: ClinVar variation 5008445 (VCV005008445.1).

ClinVar aggregate classification (germline): Uncertain significance (1 of 4 stars; one submission).

Submission:

GeneDx
Classification: Uncertain significance. Last evaluated: 2026-03-09. Review status: criteria provided, single submitter. Criteria: GeneDx Variant Classification Process June 2021. Collection method: clinical testing. Allele origin: germline.
Comment: Not observed at significant frequency in large population cohorts (gnomAD); In silico analysis supports that this missense variant has a deleterious effect on protein structure/function; Has not been previously published as pathogenic or benign to our knowledge